The following is an entry in ClinVar:

NM_001256545.2(MEGF10):c.1576G>A (p.Glu526Lys)

Gene: MEGF10 (multiple EGF like domains 10; plus strand). Cytogenetic location: 5q23.2.
Variant type: single nucleotide variant.
Coding change: c.1576G>A on transcript NM_001256545.2 (MANE Select); coding-DNA position 1576, G replaced by A.
Protein change: p.Glu526Lys; replaces glutamic acid 526 with lysine.
Molecular consequence: missense variant.
Genome position (GRCh38, 1-based): chr5:127,420,193, G>A. VCF-style: chr5-127420193-G-A. GRCh37 (hg19) VCF-style: chr5-126755885-G-A.
Other names: c.1576G>A, p.Glu526Lys (NM_001308119.2, NM_001308121.2, NM_032446.3); short protein forms E526K.
Identifiers: ClinVar variation 945102 (VCV000945102.10), dbSNP rs752944860, ClinGen allele CA360730271.

ClinVar aggregate classification (germline): Uncertain significance (1 of 4 stars; one submission).

Conditions:
MEGF10-related myopathy (CMYO10A). Also called: Congenital myopathy 10A, severe variant. Identifiers: Orphanet 439212, MedGen C3280679, MONDO:0013731, OMIM 614399.

gnomAD v4.1: 6 of 1,614,088 alleles (0.00037%); highest among the groups gnomAD compares: South Asian, 0.0011%; no homozygotes.

Submission:

Labcorp Genetics (formerly Invitae), Labcorp
Classification: Uncertain significance for MEGF10-related myopathy. Last evaluated: 2025-08-15. Review status: criteria provided, single submitter. Criteria: Invitae Variant Classification Sherloc (09022015). Collection method: clinical testing. Allele origin: germline.
Comment: This sequence change replaces glutamic acid, which is acidic and polar, with lysine, which is basic and polar, at codon 526 of the MEGF10 protein (p.Glu526Lys). This variant is not present in population databases (gnomAD no frequency). This variant has not been reported in the literature in individuals affected with MEGF10-related conditions. ClinVar contains an entry for this variant (Variation ID: 945102). Invitae Evidence Modeling of protein sequence and biophysical properties (such as structural, functional, and spatial information, amino acid conservation, physicochemical variation, residue mobility, and thermodynamic stability) indicates that this missense variant is not expected to disrupt MEGF10 protein function with a negative predictive value of 80%. In summary, the available evidence is currently insufficient to determine the role of this variant in disease. Therefore, it has been classified as a Variant of Uncertain Significance.